The following is an entry in ClinVar:

NM_004370.6(COL12A1):c.6461-14G>A

Gene: COL12A1 (collagen type XII alpha 1 chain; minus strand). Cytogenetic location: 6q13.
Variant type: single nucleotide variant.
Coding change: c.6461-14G>A on transcript NM_004370.6 (MANE Select); 14 bases into the intron before coding-DNA position 6461, G replaced by A.
Molecular consequence: intron variant.
Genome position (GRCh38, 1-based): chr6:75,125,287, C>T on the plus strand (G>A on the coding strand, the complement: COL12A1 is on the minus strand). VCF-style: chr6-75125287-C-T. GRCh37 (hg19) VCF-style: chr6-75835003-C-T.
Other names: c.2969-14G>A (NM_001424116.1, NM_080645.3); c.6188-14G>A (NM_001424115.1); c.6440-14G>A (NM_001424114.1); c.6461-14G>A (NM_001424113.1).
Identifiers: ClinVar variation 4789849 (VCV004789849.1).

ClinVar aggregate classification (germline): Uncertain significance (1 of 4 stars; one submission).

Conditions:
Ullrich congenital muscular dystrophy 2 (UCMD2). Identifiers: Orphanet 75840, MedGen C4225314, MONDO:0014654, OMIM 616470.
Bethlem myopathy 2 (BTHLM2). Identifiers: Orphanet 536516, Orphanet 610, MedGen C4225313, MONDO:0034022, OMIM 616471.

Submission:

Labcorp Genetics (formerly Invitae), Labcorp
Classification: Uncertain significance for Bethlem myopathy 2; Ullrich congenital muscular dystrophy 2. Last evaluated: 2025-10-16. Review status: criteria provided, single submitter. Criteria: Invitae Variant Classification Sherloc (09022015). Collection method: clinical testing. Allele origin: germline.
Comment: This sequence change falls in intron 39 of the COL12A1 gene. It does not directly change the encoded amino acid sequence of the COL12A1 protein. This variant is not present in population databases (gnomAD no frequency). This variant has not been reported in the literature in individuals affected with COL12A1-related conditions. Algorithms developed to predict the effect of sequence changes on RNA splicing suggest that this variant may disrupt the consensus splice site. In summary, the available evidence is currently insufficient to determine the role of this variant in disease. Therefore, it has been classified as a Variant of Uncertain Significance.